The following is an entry in ClinVar:

NM_000426.4(LAMA2):c.470C>G (p.Ser157Cys)

Gene: LAMA2 (laminin subunit alpha 2; plus strand). Cytogenetic location: 6q22.33.
Variant type: single nucleotide variant.
Coding change: c.470C>G on transcript NM_000426.4 (MANE Select); coding-DNA position 470, C replaced by G.
Protein change: p.Ser157Cys; replaces serine 157 with cysteine.
Molecular consequence: missense variant.
Genome position (GRCh38, 1-based): chr6:129,098,246, C>G. VCF-style: chr6-129098246-C-G. GRCh37 (hg19) VCF-style: chr6-129419391-C-G.
Other names: c.470C>G (NM_000426.3); c.470C>G, p.Ser157Cys (NM_001079823.2); short protein forms S157C.
Identifiers: ClinVar variation 1017540 (VCV001017540.10), dbSNP rs756699354, ClinGen allele CA3992345.

ClinVar aggregate classification (germline): Uncertain significance. Review status: criteria provided, multiple submitters, no conflicts (2 of 4 stars). 2 submissions from 2 submitters: Uncertain significance (2). Last evaluated 2023-06-01.

Conditions:
LAMA2-related muscular dystrophy (LAMA2-RD). Also called: Laminin alpha 2-related dystrophy. Identifiers: MedGen C5679788, MONDO:0100228.
Primary dilated cardiomyopathy (DCM). Also called: Dilated Cardiomyopathy. Identifiers: Orphanet 217604, MedGen C0007193, MeSH D002311, MONDO:0005021, HP:0001644. Inheritance: Various modes of inheritance.

Allele frequency attached by ClinVar (database versions not stated): gnomAD 0.00001; TOPMed 0.00003.
gnomAD v4.1: 15 of 1,613,950 alleles (0.00093%); highest among the groups gnomAD compares: East Asian, 0.025%; no homozygotes.

Submissions (2):

Clinical Center for Gene Diagnosis and Therapy, Department of Cardiovascular Surgery, The Second Xiangya Hospital of Central South University
Classification: Uncertain significance for Primary dilated cardiomyopathy. Last evaluated: 2023-06-01. Review status: criteria provided, single submitter. Criteria: ACMG Guidelines, 2015. Collection method: clinical testing. Allele origin: germline. Affected: yes.

Labcorp Genetics (formerly Invitae), Labcorp
Classification: Uncertain significance for LAMA2-related muscular dystrophy. Last evaluated: 2022-10-25. Review status: criteria provided, single submitter. Criteria: Invitae Variant Classification Sherloc (09022015). Collection method: clinical testing. Allele origin: germline.
Comment: This sequence change replaces serine, which is neutral and polar, with cysteine, which is neutral and slightly polar, at codon 157 of the LAMA2 protein (p.Ser157Cys). This variant is present in population databases (rs756699354, gnomAD 0.08%). This variant has not been reported in the literature in individuals affected with LAMA2-related conditions. ClinVar contains an entry for this variant (Variation ID: 1017540). Advanced modeling of protein sequence and biophysical properties (such as structural, functional, and spatial information, amino acid conservation, physicochemical variation, residue mobility, and thermodynamic stability) has been performed at Invitae for this missense variant, however the output from this modeling did not meet the statistical confidence thresholds required to predict the impact of this variant on LAMA2 protein function. In summary, the available evidence is currently insufficient to determine the role of this variant in disease. Therefore, it has been classified as a Variant of Uncertain Significance.